The following is an entry in ClinVar:

NM_001017979.3(RAB28):c.265G>A (p.Val89Ile)

Gene: RAB28 (RAB28, member RAS oncogene family; minus strand). Cytogenetic location: 4p15.33.
Variant type: single nucleotide variant.
Coding change: c.265G>A on transcript NM_001017979.3 (MANE Select); coding-DNA position 265, G replaced by A.
Protein change: p.Val89Ile; replaces valine 89 with isoleucine.
Molecular consequence: missense variant.
Genome position (GRCh38, 1-based): chr4:13,460,825, C>T on the plus strand (G>A on the coding strand, the complement: RAB28 is on the minus strand). VCF-style: chr4-13460825-C-T. GRCh37 (hg19) VCF-style: chr4-13462449-C-T.
Other names: c.265G>A, p.Val89Ile (NM_001159601.2, NM_004249.4); short protein forms V89I.
Identifiers: ClinVar variation 1061936 (VCV001061936.9), dbSNP rs2108960229, ClinGen allele CA356373999.

ClinVar aggregate classification (germline): Uncertain significance (1 of 4 stars; one submission).

Allele frequency attached by ClinVar (database versions not stated): gnomAD exomes 0.00002.
gnomAD v4.1: 23 of 1,609,276 alleles (0.0014%); highest among the groups gnomAD compares: Non-Finnish European, 0.002%; no homozygotes.

Submission:

Labcorp Genetics (formerly Invitae), Labcorp
Classification: Uncertain significance. Last evaluated: 2022-08-22. Review status: criteria provided, single submitter. Criteria: Invitae Variant Classification Sherloc (09022015). Collection method: clinical testing. Allele origin: germline.
Comment: In summary, the available evidence is currently insufficient to determine the role of this variant in disease. Therefore, it has been classified as a Variant of Uncertain Significance. Algorithms developed to predict the effect of missense changes on protein structure and function output the following: SIFT: "Tolerated"; PolyPhen-2: "Benign"; Align-GVGD: "Class C0". The isoleucine amino acid residue is found in multiple mammalian species, which suggests that this missense change does not adversely affect protein function. ClinVar contains an entry for this variant (Variation ID: 1061936). This variant has not been reported in the literature in individuals affected with RAB28-related conditions. This variant is not present in population databases (gnomAD no frequency). This sequence change replaces valine, which is neutral and non-polar, with isoleucine, which is neutral and non-polar, at codon 89 of the RAB28 protein (p.Val89Ile).